The following is an entry in ClinVar:

ClinVar aggregate classification (germline): Likely benign (1 of 4 stars; one submission).

Submission:

CeGaT Center for Human Genetics Tuebingen
Classification: Likely benign. Last evaluated: 2026-02-01. Review status: criteria provided, single submitter. Criteria: CeGaT Center For Human Genetics Tuebingen Variant Classification Criteria Version 2. Collection method: clinical testing. Allele origin: germline. Affected: yes. Observed: 2 variant alleles.
Comment: PACS1: PM2:Supporting, BP4, BP7

NM_018026.4(PACS1):c.1782C>T (p.Cys594=)

Gene: PACS1 (phosphofurin acidic cluster sorting protein 1; plus strand). Cytogenetic location: 11q13.2.
Variant type: single nucleotide variant.
Coding change: c.1782C>T on transcript NM_018026.4 (MANE Select); coding-DNA position 1782, C replaced by T.
Protein change: p.Cys594=; no amino-acid change (cysteine 594 retained).
Molecular consequence: synonymous variant.
Genome position (GRCh38, 1-based): chr11:66,233,010, C>T. VCF-style: chr11-66233010-C-T. GRCh37 (hg19) VCF-style: chr11-66000481-C-T.
Identifiers: ClinVar variation 4534743 (VCV004534743.6).